The following is an entry in ClinVar:

ClinVar aggregate classification (germline): Uncertain significance (0 of 4 stars; one submission).

Allele frequency attached by ClinVar (database versions not stated): gnomAD 0.00001; ExAC 0.00002; gnomAD exomes 0.00002.
gnomAD v4.1: 21 of 1,614,054 alleles (0.0013%); highest among the groups gnomAD compares: Middle Eastern, 0.016%; no homozygotes.

Submission:

Department of Pathology and Laboratory Medicine, Sinai Health System
Classification: Uncertain significance. Review status: no assertion criteria provided. Collection method: clinical testing. Allele origin: unknown. Affected: yes. Study: The Canadian Open Genetics Repository (COGR).
Comment: The FAT2 p.Arg3777Lys variant was not identified in the literature nor was it identified in ClinVar, Cosmic or LOVD 3.0. The variant was identified in dbSNP (ID: rs994473013) and in control databases in 4 of 251184 chromosomes at a frequency of 0.000016 (Genome Aggregation Database Feb 27, 2017). The variant was observed in the following populations: East Asian in 1 of 18394 chromosomes (freq: 0.000054) and European (non-Finnish) in 3 of 113526 chromosomes (freq: 0.000026); it was not observed in the African, Latino, Ashkenazi Jewish, European (Finnish), Other, and South Asian populations. The p.Arg3777 residue is not conserved in mammals and computational analyses (PolyPhen-2, SIFT, AlignGVGD, BLOSUM, MutationTaster) do not suggest a high likelihood of impact to the protein; however, this information is not predictive enough to rule out pathogenicity. The variant occurs outside of the splicing consensus sequence and 3 of 4 in silico or computational prediction software programs (SpliceSiteFinder, NNSPLICE, GeneSplicer) do not predict a difference in splicing. In summary, based on the above information the clinical significance of this variant cannot be determined with certainty at this time. This variant is classified as a variant of uncertain significance.

NM_001447.3(FAT2):c.11330G>A (p.Arg3777Lys)

Genes: FAT2 (FAT atypical cadherin 2; minus strand), SLC36A1 (solute carrier family 36 member 1; plus strand). Cytogenetic location: 5q33.1.
Variant type: single nucleotide variant.
Coding change: c.11330G>A on transcript NM_001447.3 (MANE Select); coding-DNA position 11330, G replaced by A.
Protein change: p.Arg3777Lys; replaces arginine 3777 with lysine.
Molecular consequence: missense variant.
Genome position (GRCh38, 1-based): chr5:151,517,753, C>T on the plus strand (G>A on the coding strand, the complement: FAT2 is on the minus strand). VCF-style: chr5-151517753-C-T. GRCh37 (hg19) VCF-style: chr5-150897314-C-T.
Other names: short protein forms R3777K.
Identifiers: ClinVar variation 1050692 (VCV001050692.1), dbSNP rs994473013, ClinGen allele CA3520028.